The following is an entry in ClinVar:

ClinVar aggregate classification (germline): Uncertain significance (1 of 4 stars; one submission).

gnomAD v4.1: 2 of 1,613,480 alleles (0.00012%); highest among the groups gnomAD compares: Non-Finnish European, 0.00017%; no homozygotes.

Submission:

GeneDx
Classification: Uncertain significance. Last evaluated: 2019-09-16. Review status: criteria provided, single submitter. Criteria: GeneDx Variant Classification Process June 2021. Collection method: clinical testing. Allele origin: germline. Affected: yes.
Comment: Not observed in large population cohorts (Lek et al., 2016); In silico analysis, which includes protein predictors and evolutionary conservation, supports that this variant does not alter protein structure/function; Has not been previously published as pathogenic or benign to our knowledge

NM_004380.3(CREBBP):c.6670G>A (p.Gly2224Ser)

Gene: CREBBP (CREB binding protein; minus strand). Cytogenetic location: 16p13.3.
Variant type: single nucleotide variant.
Coding change: c.6670G>A on transcript NM_004380.3 (MANE Select); coding-DNA position 6670, G replaced by A.
Protein change: p.Gly2224Ser; replaces glycine 2224 with serine.
Molecular consequence: missense variant.
Genome position (GRCh38, 1-based): chr16:3,728,377, C>T on the plus strand (G>A on the coding strand, the complement: CREBBP is on the minus strand). VCF-style: chr16-3728377-C-T. GRCh37 (hg19) VCF-style: chr16-3778378-C-T.
Other names: c.6556G>A, p.Gly2186Ser (NM_001079846.1); short protein forms G2186S, G2224S.
Identifiers: ClinVar variation 1311732 (VCV001311732.2), dbSNP rs2151302359, ClinGen allele CA394552193.
Genomic context (GRCh38, chr16:3,728,377, plus strand): 5'-TGGCCGGTGGGTAGCCTCCGGGTCCTTGAGGCTGCTGGAACTGGCCGTGCCCCGCCATGC[C>T]CCCAGCCATGCCGGCACTCCCTTGCTGCTGCTGCTGTTGCTGCTGTTGTTGCTGCTGCTG-3'
Protein context (NP_004371.2, residues 2214-2234): QQQGSAGMAG[Gly2224Ser]MAGHGQFQQP